The following is an entry in ClinVar:

ClinVar aggregate classification (germline): Uncertain significance (1 of 4 stars; one submission).

Submission:

Labcorp Genetics (formerly Invitae), Labcorp
Classification: Uncertain significance. Last evaluated: 2021-08-31. Review status: criteria provided, single submitter. Criteria: Invitae Variant Classification Sherloc (09022015). Collection method: clinical testing. Allele origin: germline.
Comment: This sequence change replaces threonine with lysine at codon 222 of the SPPL2A protein (p.Thr222Lys). The threonine residue is highly conserved and there is a moderate physicochemical difference between threonine and lysine. This variant is not present in population databases (ExAC no frequency). This variant has not been reported in the literature in individuals affected with SPPL2A-related conditions. Algorithms developed to predict the effect of missense changes on protein structure and function are either unavailable or do not agree on the potential impact of this missense change (SIFT: "Tolerated"; PolyPhen-2: "Probably Damaging"; Align-GVGD: "Class C0"). In summary, the available evidence is currently insufficient to determine the role of this variant in disease. Therefore, it has been classified as a Variant of Uncertain Significance.

NM_032802.4(SPPL2A):c.665C>A (p.Thr222Lys)

Gene: SPPL2A (signal peptide peptidase like 2A; minus strand). Cytogenetic location: 15q21.2.
Variant type: single nucleotide variant.
Coding change: c.665C>A on transcript NM_032802.4 (MANE Select); coding-DNA position 665, C replaced by A.
Protein change: p.Thr222Lys; replaces threonine 222 with lysine.
Molecular consequence: missense variant.
Genome position (GRCh38, 1-based): chr15:50,739,748, G>T on the plus strand (C>A on the coding strand, the complement: SPPL2A is on the minus strand). VCF-style: chr15-50739748-G-T. GRCh37 (hg19) VCF-style: chr15-51031945-G-T.
Other names: short protein forms T222K.
Identifiers: ClinVar variation 1378791 (VCV001378791.6), dbSNP rs2141043272, ClinGen allele CA392412598.